The following is an entry in ClinVar:

ClinVar aggregate classification (germline): Uncertain significance (1 of 4 stars; one submission).

Conditions:
Cardiovascular phenotype. Identifiers: MedGen CN230736.

Submission:

Ambry Genetics
Classification: Uncertain significance for Cardiovascular phenotype. Last evaluated: 2024-08-25. Review status: criteria provided, single submitter. Criteria: Ambry Variant Classification Scheme 2023. Collection method: clinical testing. Allele origin: germline.
Comment: The p.D299E variant (also known as c.897C>G), located in coding exon 2 of the NKX2-5 gene, results from a C to G substitution at nucleotide position 897. The aspartic acid at codon 299 is replaced by glutamic acid, an amino acid with highly similar properties. This amino acid position is conserved. In addition, this alteration is predicted to be tolerated by in silico analysis. Based on the available evidence, the clinical significance of this variant remains unclear.

NM_004387.4(NKX2-5):c.897C>G (p.Asp299Glu)

Gene: NKX2-5 (NK2 homeobox 5; minus strand). Cytogenetic location: 5q35.1.
Variant type: single nucleotide variant.
Coding change: c.897C>G on transcript NM_004387.4 (MANE Select); coding-DNA position 897, C replaced by G.
Protein change: p.Asp299Glu; replaces aspartic acid 299 with glutamic acid.
Molecular consequence: missense variant. On other transcripts: 3 prime UTR variant (2).
Genome position (GRCh38, 1-based): chr5:173,232,647, G>C on the plus strand (C>G on the coding strand, the complement: NKX2-5 is on the minus strand). VCF-style: chr5-173232647-G-C. GRCh37 (hg19) VCF-style: chr5-172659650-G-C.
Other names: c.*850C>G (NM_001166175.2); c.*696C>G (NM_001166176.2); short protein forms D299E.
Identifiers: ClinVar variation 3405902 (VCV003405902.1).
Genomic context (GRCh38, chr5:173,232,647, plus strand): 5'-ATGCAGCGTGGACACTCCCGAGTTGCTCTGCGGAATCCCGGGGCTCTGAACCGCATTCAA[G>C]TCCCCGACGCCGAAGTTCACGAAGTTGTTGTTGGCGGCGGCAGTGGCCGGCTGCGCTGGG-3'
Protein context (NP_004378.1, residues 289-309): NNNFVNFGVG[Asp299Glu]LNAVQSPGIP